The following is an entry in ClinVar:

ClinVar aggregate classification (germline): Conflicting classifications of pathogenicity. Review status: criteria provided, conflicting classifications (1 of 4 stars). 2 submissions from 2 submitters: Uncertain significance (1); Likely benign (1). Last evaluated 2024-07-29.

Conditions:
Cardiovascular phenotype. Identifiers: MedGen CN230736.
Familial hypobetalipoproteinemia 1. Also called: APOB-Related Familial Hypobetalipoproteinemia; Hypobetalipoproteinemia, normotriglyceridemic; Acanthocytosis with hypobetalipoproteinemia. Identifiers: MedGen C4551990, MONDO:0014252, OMIM 615558.
Hypercholesterolemia, autosomal dominant, type B (FHCL2). Also called: Familial Hypercholesterolemia Type B; APOLIPOPROTEIN B-100, FAMILIAL DEFECTIVE; APOLIPOPROTEIN B-100, FAMILIAL LIGAND-DEFECTIVE; HYPERCHOLESTEROLEMIA, FAMILIAL, DUE TO LIGAND-DEFECTIVE APOLIPOPROTEIN B; Hyperlipoproteinemia Type IIb; Familial hypercholesterolemia 2. Identifiers: MedGen C1704417, MONDO:0007751, OMIM 144010.

Allele frequency attached by ClinVar (database versions not stated): gnomAD exomes below 0.00001.
gnomAD v4.1: 1 of 1,614,092 alleles (0.000062%); highest among the groups gnomAD compares: Non-Finnish European, 0.000085%; no homozygotes.

Submissions (2):

Ambry Genetics
Classification: Uncertain significance for Cardiovascular phenotype. Last evaluated: 2024-07-29. Review status: criteria provided, single submitter. Criteria: Ambry Variant Classification Scheme 2023. Collection method: clinical testing. Allele origin: germline.
Comment: The p.F2957S variant (also known as c.8870T>C), located in coding exon 26 of the APOB gene, results from a T to C substitution at nucleotide position 8870. The phenylalanine at codon 2957 is replaced by serine, an amino acid with highly dissimilar properties. This amino acid position is conserved. In addition, this alteration is predicted to be tolerated by in silico analysis. Based on the available evidence, the clinical significance of this variant remains unclear.

Labcorp Genetics (formerly Invitae), Labcorp
Classification: Likely benign for Familial hypobetalipoproteinemia 1; Hypercholesterolemia, autosomal dominant, type B. Last evaluated: 2024-03-02. Review status: criteria provided, single submitter. Criteria: Invitae Variant Classification Sherloc (09022015). Collection method: clinical testing. Allele origin: germline.

NM_000384.3(APOB):c.8870T>C (p.Phe2957Ser)

Gene: APOB (apolipoprotein B; minus strand). Cytogenetic location: 2p24.1.
Variant type: single nucleotide variant.
Coding change: c.8870T>C on transcript NM_000384.3 (MANE Select); coding-DNA position 8870, T replaced by C.
Protein change: p.Phe2957Ser; replaces phenylalanine 2957 with serine.
Molecular consequence: missense variant.
Genome position (GRCh38, 1-based): chr2:21,007,998, A>G on the plus strand (T>C on the coding strand, the complement: APOB is on the minus strand). VCF-style: chr2-21007998-A-G. GRCh37 (hg19) VCF-style: chr2-21230870-A-G.
Other names: c.8870T>C (NM_000384.2); short protein forms F2957S.
Identifiers: ClinVar variation 2931938 (VCV002931938.4), dbSNP rs1247413029, ClinGen allele CA345993160.